The following is an entry in ClinVar:

ClinVar aggregate classification (germline): Likely benign (1 of 4 stars; one submission).

Conditions:
HTR2C-related disorder. Also called: HTR2C-related condition.

gnomAD v4.1: 6 of 1,208,966 alleles (0.0005%); highest among the groups gnomAD compares: Admixed American, 0.0066%; no homozygotes.

Submission:

PreventionGenetics, part of Exact Sciences
Classification: Likely benign for HTR2C-related condition. Last evaluated: 2025-04-08. Review status: criteria provided, single submitter. Criteria: ACMG Guidelines, 2015. Collection method: clinical testing. Allele origin: germline.
Comment: This variant is classified as likely benign based on ACMG/AMP sequence variant interpretation guidelines (Richards et al. 2015 PMID: 25741868, with internal and published modifications).

NM_000868.4(HTR2C):c.912C>T (p.Asn304=)

Genes: HTR2C (5-hydroxytryptamine receptor 2C; plus strand), LOC126863306 (MED14-independent group 3 enhancer GRCh37_chrX:114140926-114142125; plus strand). Cytogenetic location: Xq23.
Variant type: single nucleotide variant.
Coding change: c.912C>T on transcript NM_000868.4 (MANE Select); coding-DNA position 912, C replaced by T.
Protein change: p.Asn304=; no amino-acid change (asparagine 304 retained).
Molecular consequence: synonymous variant. On other transcripts: 3 prime UTR variant (1).
Genome position (GRCh38, 1-based): chrX:114,906,950, C>T. VCF-style: chrX-114906950-C-T. GRCh37 (hg19) VCF-style: chrX-114141513-C-T.
Other names: c.912C>T, p.Asn304= (NM_001256760.3); c.*70C>T (NM_001256761.3).
Identifiers: ClinVar variation 4994757 (VCV004994757.1).